The following is an entry in ClinVar:

NM_000062.3(SERPING1):c.239C>T (p.Ala80Val)

Gene: SERPING1 (serpin family G member 1; plus strand). Cytogenetic location: 11q12.1.
Variant type: single nucleotide variant.
Coding change: c.239C>T on transcript NM_000062.3 (MANE Select); coding-DNA position 239, C replaced by T.
Protein change: p.Ala80Val; replaces alanine 80 with valine.
Molecular consequence: missense variant.
Genome position (GRCh38, 1-based): chr11:57,600,066, C>T. VCF-style: chr11-57600066-C-T. GRCh37 (hg19) VCF-style: chr11-57367539-C-T.
Other names: c.239C>T, p.Ala80Val (NM_001032295.2); short protein forms A80V.
Identifiers: ClinVar variation 2909465 (VCV002909465.3), dbSNP rs774944411, ClinGen allele CA6008003.
Genomic context (GRCh38, chr11:57,600,066, plus strand): 5'-TGGAGGTTTCCAGCTTGCCGACAACCAACTCAACAACCAATTCAGCCACCAAAATAACAG[C>T]TAATACCACTGATGAACCCACCACACAACCCACCACAGAGCCCACCACCCAACCCACCAT-3'
Protein context (NP_000053.2, residues 70-90): STTNSATKIT[Ala80Val]NTTDEPTTQP

ClinVar aggregate classification (germline): Uncertain significance (1 of 4 stars; one submission).

Allele frequency attached by ClinVar (database versions not stated): TOPMed below 0.00001; ExAC 0.00001.
gnomAD v4.1: 27 of 1,613,960 alleles (0.0017%); highest among the groups gnomAD compares: Non-Finnish European, 0.0019%; no homozygotes.

Submission:

Labcorp Genetics (formerly Invitae), Labcorp
Classification: Uncertain significance. Last evaluated: 2023-09-21. Review status: criteria provided, single submitter. Criteria: Invitae Variant Classification Sherloc (09022015). Collection method: clinical testing. Allele origin: germline.
Comment: In summary, the available evidence is currently insufficient to determine the role of this variant in disease. Therefore, it has been classified as a Variant of Uncertain Significance. Algorithms developed to predict the effect of missense changes on protein structure and function output the following: SIFT: "Not Available"; PolyPhen-2: "Possibly Damaging"; Align-GVGD: "Not Available". The valine amino acid residue is found in multiple mammalian species, which suggests that this missense change does not adversely affect protein function. This sequence change replaces alanine, which is neutral and non-polar, with valine, which is neutral and non-polar, at codon 80 of the SERPING1 protein (p.Ala80Val). This variant is present in population databases (rs774944411, gnomAD 0.006%). This variant has not been reported in the literature in individuals affected with SERPING1-related conditions.